The following is an entry in ClinVar:

NM_004186.5(SEMA3F):c.2103C>T (p.Ala701=)

Gene: SEMA3F (semaphorin 3F; plus strand). Cytogenetic location: 3p21.31.
Variant type: single nucleotide variant.
Coding change: c.2103C>T on transcript NM_004186.5 (MANE Select); coding-DNA position 2103, C replaced by T.
Protein change: p.Ala701=; no amino-acid change (alanine 701 retained).
Molecular consequence: synonymous variant.
Genome position (GRCh38, 1-based): chr3:50,187,860, C>T. VCF-style: chr3-50187860-C-T. GRCh37 (hg19) VCF-style: chr3-50225293-C-T.
Other names: c.1806C>T, p.Ala602= (NM_001318798.2); c.2010C>T, p.Ala670= (NM_001318800.2).
Identifiers: ClinVar variation 3348128 (VCV003348128.1).
Genomic context (GRCh38, chr3:50,187,860, plus strand): 5'-TGAGAACAACTTTAAGCACGTCGTCACACGAGTGCAGCTGCATGTACTGGGCCGGGACGC[C>T]GTCCATGCTGCCCTCTTCCCACCACTGTCCATGAGCGCCCCGCCACCCCCAGGCGCAGGC-3'
Protein context (NP_004177.3, residues 691-711): RVQLHVLGRD[Ala701=]VHAALFPPLS

ClinVar aggregate classification (germline): Likely benign (0 of 4 stars; one submission).

Conditions:
SEMA3F-related disorder. Also called: SEMA3F-related condition.

gnomAD v4.1: 28 of 1,613,146 alleles (0.0017%); highest among the groups gnomAD compares: Non-Finnish European, 0.00068%; no homozygotes.

Submission:

PreventionGenetics, part of Exact Sciences
Classification: Likely benign for SEMA3F-related condition. Last evaluated: 2024-01-31. Review status: no assertion criteria provided. Collection method: clinical testing. Allele origin: germline.
Comment: This variant is classified as likely benign based on ACMG/AMP sequence variant interpretation guidelines (Richards et al. 2015 PMID: 25741868, with internal and published modifications).